The following is an entry in ClinVar:

NM_001854.4(COL11A1):c.3168+2T>A

Gene: COL11A1 (collagen type XI alpha 1 chain; minus strand). Cytogenetic location: 1p21.1.
Variant type: single nucleotide variant.
Coding change: c.3168+2T>A on transcript NM_001854.4 (MANE Select); the canonical splice donor site of the intron after coding-DNA position 3168, T replaced by A.
Molecular consequence: splice donor variant.
Genome position (GRCh38, 1-based): chr1:102,961,864, A>T on the plus strand (T>A on the coding strand, the complement: COL11A1 is on the minus strand). VCF-style: chr1-102961864-A-T. GRCh37 (hg19) VCF-style: chr1-103427420-A-T.
Other names: c.3051+2T>A (NM_001190709.2); c.3204+2T>A (NM_080629.3); c.2820+2T>A (NM_080630.4).
Identifiers: ClinVar variation 4879315 (VCV004879315.1).

ClinVar aggregate classification (germline): Likely pathogenic (1 of 4 stars; one submission).

Conditions:
Marshall syndrome (MRSHS). Identifiers: Orphanet 560, MedGen C0265235, MONDO:0007949, OMIM 154780.
Stickler syndrome type 2 (STL2). Also called: STICKLER SYNDROME, TYPE II; STICKLER SYNDROME, BEADED VITREOUS TYPE; STICKLER SYNDROME, VITREOUS TYPE 2; COL11A1-Related Stickler Syndrome. Identifiers: Orphanet 828, Orphanet 90654, MedGen C1858084, MONDO:0011493, OMIM 604841.

Submission:

Clinical Genomics Laboratory, Washington University in St. Louis
Classification: Likely pathogenic for Marshall syndrome; Stickler syndrome type 2. Last evaluated: 2025-12-04. Review status: criteria provided, single submitter. Criteria: ACMG Guidelines, 2015. Collection method: clinical testing. Allele origin: germline. Affected: yes.
Comment: The COL11A1 c.3168+2T>A variant, to our knowledge, has not been reported in the medical literature. This variant occurs within the canonical splice donor site, which is predicted to cause skipping of the exon, leading to an in-frame transcript. This variant is absent from the general population (gnomAD v2.1.1), indicating it is not a common variant. Disruptions at a nearby splice sites (c.3168+5G>A, c.3168+1G>T) have been reported in individuals with Sticker syndrome (Kohmoto T et al., PMID: 27081549; Lauritsen KF et al., PMID: 28315471). Based on available information and the ACMG/AMP guidelines for variant interpretation (Richards S et al., PMID: 25741868), this variant is classified as likely pathogenic.